The following is an entry in ClinVar:

NM_001953.5(TYMP):c.1198_1203del (p.Val400_Leu401del)

Genes: SCO2 (synthesis of cytochrome C oxidase 2; minus strand), TYMP (thymidine phosphorylase; minus strand), LOC130067862 (ATAC-STARR-seq lymphoblastoid silent region 13986; plus strand). Cytogenetic location: 22q13.33.
Variant type: Deletion.
Coding change: c.1198_1203del on transcript NM_001953.5 (MANE Select); coding-DNA positions 1198 to 1203, 6 bases deleted (GTGCTG; older notation c.1198_1203delGTGCTG).
Protein change: p.Val400_Leu401del.
Molecular consequence: inframe deletion. On other transcripts: 5 prime UTR variant (1), intron variant (1).
Genome position (GRCh38, 1-based): chr22:50,526,098-50,526,103, CAGCAC deleted on the plus strand (GTGCTG on the coding strand, the reverse complement: TYMP is on the minus strand); deleting any 6 consecutive bases within chr22:50,526,098-50,526,107 gives the same sequence; the c. name uses the placement nearest the transcript's 3' end. VCF-style (leftmost placement, unchanged base first): chr22-50526097-GCAGCAC-G. GRCh37 (hg19) VCF-style: chr22-50964526-GCAGCAC-G.
Other names: c.1198_1203del, p.Val400_Leu401del (NM_001113756.3, NM_001257988.1, NM_001113755.3); c.1213_1218del, p.Val405_Leu406del (NM_001257989.1); c.-116_-111del (NM_001169110.1); c.-14+143_-14+148del (NM_001169109.2); c.1198_1203delGTGCTG (NM_001953.4).
Identifiers: ClinVar variation 1332698 (VCV001332698.5), dbSNP rs1027855768, ClinGen allele CA754072437.

ClinVar aggregate classification (germline): Pathogenic/Likely pathogenic. Review status: criteria provided, multiple submitters, no conflicts (2 of 4 stars). 3 submissions from 3 submitters: Pathogenic (1); Likely pathogenic (2). Last evaluated 2025-12-04.

Conditions:
Mitochondrial neurogastrointestinal encephalomyopathy. Also called: Mitochondrial neurogastrointestinal encephalopathy syndrome; MNGIE syndrome; Thymidine phosphorylase deficiency. Identifiers: Orphanet 298, MedGen C0872218, MONDO:0017575.
Mitochondrial DNA depletion syndrome 1. Also called: Mitochondrial DNA Depletion Syndrome, MNGIE Form; Mitochondrial neurogastrointestinal encephalomyopathy syndrome; POLIP SYNDROME; POLYNEUROPATHY, OPHTHALMOPLEGIA, LEUKOENCEPHALOPATHY, AND INTESTINAL PSEUDOOBSTRUCTION; Mitochondrial Neurogastrointestinal Encephalopathy Disease; MITOCHONDRIAL NEUROGASTROINTESTINAL ENCEPHALOPATHY SYNDROME, TYMP-RELATED. Identifiers: Orphanet 298, MedGen C4551995, MONDO:0011283, OMIM 603041.

Submissions (3):

Natera, Inc.
Classification: Likely pathogenic for Mitochondrial neurogastrointestinal encephalomyopathy. Last evaluated: 2025-12-04. Review status: criteria provided, single submitter. Criteria: Natera Variant Classification Schema (03/2026). Collection method: clinical testing. Allele origin: germline.
Comment: The c.1198_1203delGTGCTG variant in TYMP is an in-frame deletion predicted to remove valine at amino acid 400 while preserving the reading frame. This variant is rare in the general population with a frequency below the threshold expected for the associated phenotype(s). This variant has been observed in one or more individuals affected with the associated recessive disease, as either homozygous or compound heterozygous with a second variant (PMID: 34302356). This variant has been identified in one or more affected individual with a phenotype highly consistent with the associated gene (PMID: 34302356). This variant results in a change to the protein length while preserving reading frame, which may disrupt normal protein structure or function. Given the available evidence, this variant is classified as Likely Pathogenic.

Baylor Genetics
Classification: Likely pathogenic for Mitochondrial DNA depletion syndrome 1. Last evaluated: 2023-08-22. Review status: criteria provided, single submitter. Criteria: ACMG Guidelines, 2015. Collection method: clinical testing. Allele origin: unknown.

Kasturba Medical College, Manipal, Kasturba Medical College, Manipal, Manipal Academy of Higher Education, Manipal, India
Classification: Pathogenic for Mitochondrial DNA depletion syndrome 1. Review status: criteria provided, single submitter. Criteria: ACMG Guidelines, 2015. Collection method: clinical testing. Allele origin: inherited. Affected: yes.

Literature cited by the submitters: PubMed 34302356 (cited by Natera, Inc.).